The following is an entry in ClinVar:

ClinVar aggregate classification (germline): Uncertain significance (1 of 4 stars; one submission).

Submission:

Labcorp Genetics (formerly Invitae), Labcorp
Classification: Uncertain significance. Last evaluated: 2025-04-23. Review status: criteria provided, single submitter. Criteria: Invitae Variant Classification Sherloc (09022015). Collection method: clinical testing. Allele origin: germline.
Comment: This sequence change replaces glycine, which is neutral and non-polar, with glutamic acid, which is acidic and polar, at codon 4997 of the PCLO protein (p.Gly4997Glu). This variant is not present in population databases (gnomAD no frequency). This variant has not been reported in the literature in individuals affected with PCLO-related conditions. ClinVar contains an entry for this variant (Variation ID: 2130241). Experimental studies and prediction algorithms are not available or were not evaluated, and the functional significance of this variant is currently unknown. In summary, the available evidence is currently insufficient to determine the role of this variant in disease. Therefore, it has been classified as a Variant of Uncertain Significance.

NM_033026.6(PCLO):c.14990G>A (p.Gly4997Glu)

Gene: PCLO (piccolo presynaptic cytomatrix protein; minus strand). Cytogenetic location: 7q21.11.
Variant type: single nucleotide variant.
Coding change: c.14990G>A on transcript NM_033026.6 (MANE Select); coding-DNA position 14990, G replaced by A.
Protein change: p.Gly4997Glu; replaces glycine 4997 with glutamic acid.
Molecular consequence: missense variant.
Genome position (GRCh38, 1-based): chr7:82,801,535, C>T on the plus strand (G>A on the coding strand, the complement: PCLO is on the minus strand). VCF-style: chr7-82801535-C-T. GRCh37 (hg19) VCF-style: chr7-82430851-C-T.
Other names: short protein forms G4997E.
Identifiers: ClinVar variation 2130241 (VCV002130241.4), dbSNP rs2535199981, ClinGen allele CA368018264.
Genomic context (GRCh38, chr7:82,801,535, plus strand): 5'-ATGCAGATTCAGCCAAAATCCAATATTGTAAATTTTTACTTACCTTCAGTGTCTGCTAGT[C>T]CTACTCCTACCCCTGGCTGTTTTACAGGCTCTTGTCCATTCTGTCCCATCTTCCCTCTGT-3'
Protein context (NP_149015.2, residues 4987-5007): EPVKQPGVGV[Gly4997Glu]LADTEAKTQV